The following is an entry in ClinVar:

ClinVar aggregate classification (germline): Pathogenic (1 of 4 stars; one submission).

Conditions:
Multiple endocrine neoplasia, type 1 (MEN1). Also called: WERMER SYNDROME; Endocrine adenomatosis multiple; MEN 1; MEA I; MEN I. Identifiers: Orphanet 652, MedGen C0025267, MeSH D018761, MONDO:0007540, OMIM 131100.

Submission:

Labcorp Genetics (formerly Invitae), Labcorp
Classification: Pathogenic for Multiple endocrine neoplasia, type 1. Last evaluated: 2022-08-27. Review status: criteria provided, single submitter. Criteria: Invitae Variant Classification Sherloc (09022015). Collection method: clinical testing. Allele origin: germline.
Comment: For these reasons, this variant has been classified as Pathogenic. This variant disrupts a region of the MEN1 protein in which other variant(s) (p.Thr580Argfs*8) have been determined to be pathogenic (PMID: 15331604, 16449969). This suggests that this is a clinically significant region of the protein, and that variants that disrupt it are likely to be disease-causing. This variant is also known as 1392-1395delGGCC. This premature translational stop signal has been observed in individual(s) with multiple endocrine neoplasia type 1 (PMID: 10090472). This variant is not present in population databases (gnomAD no frequency). This sequence change creates a premature translational stop signal (p.Ala465Argfs*93) in the MEN1 gene. While this is not anticipated to result in nonsense mediated decay, it is expected to disrupt the last 146 amino acid(s) of the MEN1 protein.

Literature cited by the submitters: PubMed 15331604; PubMed 16449969; PubMed 10090472.

NM_001370259.2(MEN1):c.1393_1396del (p.Ala465fs)

Gene: MEN1 (menin 1; minus strand). Cytogenetic location: 11q13.1.
Variant type: Deletion.
Coding change: c.1393_1396del on transcript NM_001370259.2 (MANE Select); coding-DNA positions 1393 to 1396, 4 bases deleted (GCCG; older notation c.1393_1396delGCCG).
Protein change: p.Ala465fs; shifts the reading frame from alanine 465.
Molecular consequence: frameshift variant.
Genome position (GRCh38, 1-based): chr11:64,804,771-64,804,774, CGGC deleted on the plus strand (GCCG on the coding strand, the reverse complement: MEN1 is on the minus strand); deleting any 4 consecutive bases within chr11:64,804,771-64,804,776 gives the same sequence; the c. name uses the placement nearest the transcript's 3' end. VCF-style (leftmost placement, unchanged base first): chr11-64804770-TCGGC-T. GRCh37 (hg19) VCF-style: chr11-64572242-TCGGC-T.
Other names: c.1408_1411del, p.Ala470fs (NM_000244.4, NM_130800.3, NM_130801.3 and 3 more transcripts); c.1519_1522del, p.Ala507fs (NM_001370251.2); c.1393_1396del, p.Ala465fs (NM_001370260.2, NM_001370261.2, NM_130799.3); c.1288_1291del, p.Ala430fs (NM_001370262.2, NM_001370263.2); c.1517_1520delCGGC, p.Ala507Argfs (NM_001407142.1, NM_001407143.1, NM_001407144.1); c.1406_1409delCGGC, p.Ala470Argfs (NM_001407145.1); c.1391_1394delCGGC, p.Ala465Argfs (NM_001407146.1, NM_001407147.1); c.1286_1289delCGGC, p.Ala430Argfs (NM_001407148.1, NM_001407149.1); and 3 more; short protein forms A470fs, A507fs, A465fs, A430fs.
Identifiers: ClinVar variation 2137140 (VCV002137140.4), dbSNP rs2497129075, ClinGen allele CA2580084432.
Genomic context (GRCh38, chr11:64,804,770, plus strand): 5'-TCCCGCCGTGGGCCCCGCCGCCGGCCTTCCCGGGCTTCCTCGCCCCACGGCTCCTCGGCC[TCGGC>T]CGCCTCGGCCTCTCGGCTCACTATGCGCACCTTCTGCCGCACCTGGGCCAGTGGGGAGAG-3'